The following is an entry in ClinVar:

NM_001244008.2(KIF1A):c.2935G>A (p.Glu979Lys)

Gene: KIF1A (kinesin family member 1A; minus strand). Cytogenetic location: 2q37.3.
Variant type: single nucleotide variant.
Coding change: c.2935G>A on transcript NM_001244008.2 (MANE Select); coding-DNA position 2935, G replaced by A.
Protein change: p.Glu979Lys; replaces glutamic acid 979 with lysine.
Molecular consequence: missense variant.
Genome position (GRCh38, 1-based): chr2:240,750,471, C>T on the plus strand (G>A on the coding strand, the complement: KIF1A is on the minus strand). VCF-style: chr2-240750471-C-T. GRCh37 (hg19) VCF-style: chr2-241689888-C-T.
Other names: c.2659G>A, p.Glu887Lys (NM_001320705.2, NM_001330289.2, NM_001379638.1); c.2734G>A, p.Glu912Lys (NM_001330290.2, NM_001379634.1, NM_001379635.1 and 1 more transcripts); c.3010G>A, p.Glu1004Lys (NM_001379631.1); c.2884G>A, p.Glu962Lys (NM_001379632.1); c.2908G>A, p.Glu970Lys (NM_001379633.1, NM_001379642.1, NM_001379645.1); c.2632G>A, p.Glu878Lys (NM_001379636.1, NM_001379639.1, NM_001379640.1 and 7 more transcripts); c.2707G>A, p.Glu903Lys (NM_001379637.1, NM_001379648.1); c.2632G>A (NM_004321.5); short protein forms E887K, E903K, E979K, E878K, E970K, E1004K, E912K, E962K.
Identifiers: ClinVar variation 2139934 (VCV002139934.6), dbSNP rs764324827, ClinGen allele CA2207979.

ClinVar aggregate classification (germline): Conflicting classifications of pathogenicity. Review status: criteria provided, conflicting classifications (1 of 4 stars). 3 submissions from 3 submitters: Uncertain significance (2); Likely benign (1). Last evaluated 2025-12-03.

Conditions:
Inborn genetic diseases. Identifiers: MedGen C0950123, MeSH D030342.
Neuropathy, hereditary sensory, type 2C. Also called: Hereditary sensory and autonomic neuropathy type IIC; KIF1A-Related HSAN2 (HSAN2C). Identifiers: Orphanet 970, MedGen C3280168, MONDO:0013634, OMIM 614213.
Intellectual disability, autosomal dominant 9 (NESCAVS). Also called: NESCAV SYNDROME; KIF1A-Related Neurodevelopmental Disorder. Identifiers: Orphanet 662367, MedGen C5393830, MONDO:0013656, OMIM 614255.
Hereditary spastic paraplegia 30. Identifiers: Orphanet 101010, MedGen C5235139, MONDO:0012476.

Allele frequency attached by ClinVar (database versions not stated): gnomAD exomes below 0.00001; TOPMed below 0.00001; ExAC 0.00001.
gnomAD v4.1: 3 of 1,613,898 alleles (0.00019%); highest among the groups gnomAD compares: East Asian, 0.0022%; no homozygotes.

Submissions (3):

Women's Health and Genetics/Laboratory Corporation of America, LabCorp
Classification: Uncertain significance. Last evaluated: 2025-12-03. Review status: criteria provided, single submitter. Criteria: LabCorp Variant Classification Summary - May 2015. Collection method: clinical testing. Allele origin: germline.
Comment: Variant summary: KIF1A c.2632G>A (p.Glu878Lys) results in a conservative amino acid change in the encoded protein sequence. Algorithms developed to predict the effect of missense changes on protein structure and function are either unavailable or do not agree on the potential impact of this missense change. The variant allele was found at a frequency of 4e-06 in 248938 control chromosomes. The available data on variant occurrences in the general population are insufficient to allow any conclusion about variant significance. c.2632G>A has been observed in an individual affected with Neuropathy, hereditary sensory, type 2C without strong evidence for causality (Zheng_2024). These report(s) do not provide unequivocal conclusions about association of the variant with Neuropathy, hereditary sensory, type 2C. To our knowledge, no experimental evidence demonstrating an impact on protein function has been reported. The following publication have been ascertained in the context of this evaluation (PMID: 39076207). ClinVar contains an entry for this variant (Variation ID: 2139934). Based on the evidence outlined above, the variant was classified as uncertain significance.

Ambry Genetics
Classification: Uncertain significance for Inborn genetic diseases. Last evaluated: 2024-05-08. Review status: criteria provided, single submitter. Criteria: Ambry Variant Classification Scheme 2023. Collection method: clinical testing. Allele origin: germline.

Labcorp Genetics (formerly Invitae), Labcorp
Classification: Likely benign for Hereditary spastic paraplegia 30; Neuropathy, hereditary sensory, type 2C; Intellectual disability, autosomal dominant 9. Last evaluated: 2023-06-21. Review status: criteria provided, single submitter. Criteria: Invitae Variant Classification Sherloc (09022015). Collection method: clinical testing. Allele origin: germline.

Literature cited by the submitters: PubMed 39076207 (cited by Women's Health and Genetics/Laboratory Corporation of America, LabCorp).